The following is an entry in ClinVar:

NM_032380.5(GFM2):c.137G>T (p.Ser46Ile)

Gene: GFM2 (GTP dependent ribosome recycling factor mitochondrial 2; minus strand). Cytogenetic location: 5q13.3.
Variant type: single nucleotide variant.
Coding change: c.137G>T on transcript NM_032380.5 (MANE Select); coding-DNA position 137, G replaced by T.
Protein change: p.Ser46Ile; replaces serine 46 with isoleucine.
Molecular consequence: missense variant. On other transcripts: non-coding transcript variant (1).
Genome position (GRCh38, 1-based): chr5:74,760,913, C>A on the plus strand (G>T on the coding strand, the complement: GFM2 is on the minus strand). VCF-style: chr5-74760913-C-A. GRCh37 (hg19) VCF-style: chr5-74056738-C-A.
Other names: c.233G>T, p.Ser78Ile (NM_001281302.2); c.137G>T, p.Ser46Ile (NM_170681.3, NM_170691.3); short protein forms S46I, S78I.
Identifiers: ClinVar variation 2392372 (VCV002392372.6), dbSNP rs144641284, ClinGen allele CA3306928.

ClinVar aggregate classification (germline): Uncertain significance. Review status: criteria provided, multiple submitters, no conflicts (2 of 4 stars). 3 submissions from 3 submitters: Uncertain significance (3). Last evaluated 2025-05-18.

Conditions:
Inborn genetic diseases. Identifiers: MedGen C0950123, MeSH D030342.

Allele frequency attached by ClinVar (database versions not stated): gnomAD 0.00004; TOPMed 0.00006; ExAC 0.00007; ESP Exome Variant Server 0.00008; gnomAD exomes 0.00008; 1000 Genomes Project 0.00020; 1000 Genomes Project 30x 0.00031.
gnomAD v4.1: 121 of 1,602,938 alleles (0.0075%); highest among the groups gnomAD compares: Non-Finnish European, 0.01%; no homozygotes.

Submissions (3):

Ambry Genetics
Classification: Uncertain significance for Inborn genetic diseases. Last evaluated: 2025-05-18. Review status: criteria provided, single submitter. Criteria: Ambry Variant Classification Scheme 2023. Collection method: clinical testing. Allele origin: germline.

Blueprint Genetics
Classification: Uncertain significance. Last evaluated: 2024-11-11. Review status: criteria provided, single submitter. Criteria: ACMG Guidelines, 2015. Collection method: clinical testing. Allele origin: germline.

Labcorp Genetics (formerly Invitae), Labcorp
Classification: Uncertain significance. Last evaluated: 2024-10-15. Review status: criteria provided, single submitter. Criteria: Invitae Variant Classification Sherloc (09022015). Collection method: clinical testing. Allele origin: germline.
Comment: This sequence change replaces serine, which is neutral and polar, with isoleucine, which is neutral and non-polar, at codon 46 of the GFM2 protein (p.Ser46Ile). This variant is present in population databases (rs144641284, gnomAD 0.02%). This variant has not been reported in the literature in individuals affected with GFM2-related conditions. ClinVar contains an entry for this variant (Variation ID: 2392372). An algorithm developed to predict the effect of missense changes on protein structure and function (PolyPhen-2) suggests that this variant is likely to be tolerated. In summary, the available evidence is currently insufficient to determine the role of this variant in disease. Therefore, it has been classified as a Variant of Uncertain Significance.